The following is an entry in ClinVar:

NM_001040108.2(MLH3):c.2482G>T (p.Glu828Ter)

Gene: MLH3 (mutL homolog 3; minus strand). Cytogenetic location: 14q24.3.
Variant type: single nucleotide variant.
Coding change: c.2482G>T on transcript NM_001040108.2 (MANE Select); coding-DNA position 2482, G replaced by T.
Protein change: p.Glu828Ter; replaces glutamic acid 828 with a stop codon.
Molecular consequence: nonsense.
Genome position (GRCh38, 1-based): chr14:75,047,174, C>A on the plus strand (G>T on the coding strand, the complement: MLH3 is on the minus strand). VCF-style: chr14-75047174-C-A. GRCh37 (hg19) VCF-style: chr14-75513877-C-A.
Other names: 2483G-T; c.2482G>T (NM_001040108.1); c.2482G>T, p.Glu828Ter (NM_014381.3); short protein forms E828*.
Identifiers: ClinVar variation 5557 (VCV000005557.8), dbSNP rs587776622, ClinGen allele CA250524.

ClinVar aggregate classification (germline): Conflicting classifications of pathogenicity. Review status: criteria provided, conflicting classifications (1 of 4 stars). 4 submissions from 4 submitters: Pathogenic (2); Uncertain significance (1). 1 of the submissions does not count toward it. Last evaluated 2026-06-03.

Conditions:
Colorectal cancer, hereditary nonpolyposis, type 7. Identifiers: Orphanet 144, MedGen C1858380, MONDO:0013725, OMIM 614385.
Carcinoma of colon (CRC). Also called: Colon carcinoma; Colonic carcinoma. Identifiers: MedGen C0699790, MONDO:0002032.

Allele frequency attached by ClinVar (database versions not stated): gnomAD exomes below 0.00001; TOPMed 0.00001.
gnomAD v4.1: 3 of 1,614,024 alleles (0.00019%); highest among the groups gnomAD compares: Non-Finnish European, 0.00025%; no homozygotes.

Submissions (4):

Ambry Genetics
Classification: Pathogenic. Last evaluated: 2026-06-03. Review status: criteria provided, single submitter. Criteria: Ambry Variant Classification Scheme 2023. Collection method: clinical testing. Allele origin: germline.
Comment: The p.E828* variant (also known as c.2482G>T), located in coding exon 1 of the MLH3 gene, results from a G to T substitution at nucleotide position 2482. This changes the amino acid from a glutamic acid to a stop codon within coding exon 1. This variant is considered to be rare based on population cohorts in the Genome Aggregation Database (gnomAD). This alteration is expected to result in loss of function by premature protein truncation or nonsense-mediated mRNA decay. As such, this alteration is interpreted as a disease-causing mutation.

Myriad Genetics, Inc.
Classification: Pathogenic for Colorectal cancer, hereditary nonpolyposis, type 7. Last evaluated: 2025-12-31. Review status: criteria provided, single submitter. Criteria: Myriad Autosomal Dominant, Autosomal Recessive and X-Linked Classification Criteria (2023). Collection method: clinical testing. Allele origin: unknown.
Comment: This variant is considered pathogenic. This variant creates a termination codon and is predicted to result in premature protein truncation.

Labcorp Genetics (formerly Invitae), Labcorp
Classification: Uncertain significance for Colorectal cancer, hereditary nonpolyposis, type 7. Last evaluated: 2025-07-30. Review status: criteria provided, single submitter. Criteria: Invitae Variant Classification Sherloc (09022015). Collection method: clinical testing. Allele origin: germline.
Comment: This sequence change creates a premature translational stop signal (p.Glu828*) in the MLH3 gene. It is expected to result in an absent or disrupted protein product. However, the current clinical and genetic evidence is not sufficient to establish whether loss-of-function variants in MLH3 cause disease. This variant is not present in population databases (gnomAD no frequency). This variant has not been reported in the literature in individuals affected with MLH3-related conditions. ClinVar contains an entry for this variant (Variation ID: 5557). In summary, the available evidence is currently insufficient to determine the role of this variant in disease. Therefore, it has been classified as a Variant of Uncertain Significance.

OMIM
Classification: Pathogenic for COLORECTAL CANCER, SOMATIC. Last evaluated: 2001-05-01. Review status: no assertion criteria provided. Collection method: literature only. Allele origin: somatic. Not counted in ClinVar's aggregate classification.

Literature cited by the submitters: PubMed 11317354 (cited by OMIM).